The following is an entry in ClinVar:

ClinVar aggregate classification (germline): Uncertain significance. Review status: criteria provided, multiple submitters, no conflicts (2 of 4 stars). 4 submissions from 4 submitters: Uncertain significance (4). Last evaluated 2025-12-24.

Conditions:
Hereditary cancer-predisposing syndrome. Also called: Tumor predisposition; Neoplastic Syndromes, Hereditary; Hereditary Cancer Syndrome; Hereditary neoplastic syndrome. Identifiers: Orphanet 140162, MedGen C0027672, MeSH D009386, MONDO:0015356.
Tumor predisposition syndrome 3 (TPDS3). Also called: Melanoma, cutaneous malignant, susceptibility to, 10; Glioma susceptibility 9; LONG TELOMERE SYNDROME, POT1-RELATED; POT1 Tumor Predisposition. Identifiers: Orphanet 618, MedGen C4014476, MONDO:0014368, OMIM 615848.

Allele frequency attached by ClinVar (database versions not stated): ExAC 0.00001; gnomAD 0.00001; gnomAD exomes 0.00001 and 0.00002; TOPMed 0.00001.
gnomAD v4.1: 24 of 1,605,602 alleles (0.0015%); highest among the groups gnomAD compares: Non-Finnish European, 0.002%; no homozygotes.

Submissions (4):

Labcorp Genetics (formerly Invitae), Labcorp
Classification: Uncertain significance for Tumor predisposition syndrome 3. Last evaluated: 2025-12-24. Review status: criteria provided, single submitter. Criteria: Invitae Variant Classification Sherloc (09022015). Collection method: clinical testing. Allele origin: germline.
Comment: This sequence change replaces threonine, which is neutral and polar, with isoleucine, which is neutral and non-polar, at codon 522 of the POT1 protein (p.Thr522Ile). RNA analysis indicates that this missense change induces altered splicing and may result in an absent or altered protein product. This variant is present in population databases (rs754745002, gnomAD 0.002%). This variant has not been reported in the literature in individuals affected with POT1-related conditions. ClinVar contains an entry for this variant (Variation ID: 655928). Invitae Evidence Modeling of protein sequence and biophysical properties (such as structural, functional, and spatial information, amino acid conservation, physicochemical variation, residue mobility, and thermodynamic stability) indicates that this missense variant is not expected to disrupt POT1 protein function with a negative predictive value of 80%. Studies have shown that this missense change results in skipping of exon 16, and produces a non-functional protein and/or introduces a premature termination codon (internal data). In summary, the available evidence is currently insufficient to determine the role of this variant in disease. Therefore, it has been classified as a Variant of Uncertain Significance.

Ambry Genetics
Classification: Uncertain significance for Hereditary cancer-predisposing syndrome. Last evaluated: 2025-08-12. Review status: criteria provided, single submitter. Criteria: Ambry Variant Classification Scheme 2023. Collection method: clinical testing. Allele origin: germline.
Comment: The p.T522I variant (also known as c.1565C>T), located in coding exon 12 of the POT1 gene, results from a C to T substitution at nucleotide position 1565. The threonine at codon 522 is replaced by isoleucine, an amino acid with similar properties. This alteration was identified in 0 of 2928 melanoma cases and 1 of 3298 controls (Simonin-Wilmer I et al. J Med Genet, 2023 Jul;60:692-696). This amino acid position is not well conserved in available vertebrate species. In addition, this alteration is predicted to be tolerated by in silico analysis. Since supporting evidence is limited at this time, the clinical significance of this alteration remains unclear.

Center for Genomic Medicine, Rigshospitalet, Copenhagen University Hospital
Classification: Uncertain significance. Last evaluated: 2025-03-04. Review status: criteria provided, single submitter. Criteria: ACMG Guidelines, 2015. Collection method: clinical testing. Allele origin: germline.

GeneDx
Classification: Uncertain significance. Last evaluated: 2023-04-25. Review status: criteria provided, single submitter. Criteria: GeneDx Variant Classification Process June 2021. Collection method: clinical testing. Allele origin: germline. Affected: yes.
Comment: Not observed at significant frequency in large population cohorts (gnomAD); In silico analysis supports that this missense variant does not alter protein structure/function; Has not been previously published as pathogenic or benign to our knowledge; This variant is associated with the following publications: (PMID: 27460824)

Literature cited by the submitters: PubMed 36539277 (cited by Ambry Genetics and Center for Genomic Medicine, Rigshospitalet, Copenhagen University Hospital).

NM_015450.3(POT1):c.1565C>T (p.Thr522Ile)

Gene: POT1 (protection of telomeres 1; minus strand). Cytogenetic location: 7q31.33.
Variant type: single nucleotide variant.
Coding change: c.1565C>T on transcript NM_015450.3 (MANE Select); coding-DNA position 1565, C replaced by T.
Protein change: p.Thr522Ile; replaces threonine 522 with isoleucine.
Molecular consequence: missense variant. On other transcripts: non-coding transcript variant (2).
Genome position (GRCh38, 1-based): chr7:124,829,283, G>A on the plus strand (C>T on the coding strand, the complement: POT1 is on the minus strand). VCF-style: chr7-124829283-G-A. GRCh37 (hg19) VCF-style: chr7-124469337-G-A.
Other names: c.1172C>T, p.Thr391Ile (NM_001042594.2); short protein forms T391I, T522I.
Identifiers: ClinVar variation 655928 (VCV000655928.22), dbSNP rs754745002, ClinGen allele CA4465074.
Genomic context (GRCh38, chr7:124,829,283, plus strand): 5'-TAAAATTGCAGGGCATGGAAATTTAGCTAACCTTCTGCCACAGAAGAAGGAATCCACGAT[G>A]TTTTATCAACCAGGGAATTTAGATTTTGTATGGATCTCAAACTAGAACACTGTTTACATC-3'
Protein context (NP_056265.2, residues 512-532): IQNLNSLVDK[Thr522Ile]SWIPSSVAEA